The following is an entry in ClinVar:

ClinVar aggregate classification (germline): Benign. Review status: criteria provided, multiple submitters, no conflicts (2 of 4 stars). 4 submissions from 4 submitters: Benign (3). 1 of the submissions does not count toward it. Last evaluated 2026-01-18.

Conditions:
IGSF10-related disorder. Also called: IGSF10-related condition.

Allele frequency attached by ClinVar (database versions not stated): TOPMed 0.00514; 1000 Genomes Project 30x 0.00515; 1000 Genomes Project 0.00519; gnomAD 0.00538 and 0.00560; ESP Exome Variant Server 0.00577; ExAC 0.00662.
gnomAD v4.1: 12,687 of 1,614,116 alleles (0.79%); highest among the groups gnomAD compares: South Asian, 1%; 62 homozygotes.

Submissions (4):

Labcorp Genetics (formerly Invitae), Labcorp
Classification: Benign. Last evaluated: 2026-01-18. Review status: criteria provided, single submitter. Criteria: Invitae Variant Classification Sherloc (09022015). Collection method: clinical testing. Allele origin: germline.

CeGaT Center for Human Genetics Tuebingen
Classification: Benign. Last evaluated: 2024-07-01. Review status: criteria provided, single submitter. Criteria: CeGaT Center For Human Genetics Tuebingen Variant Classification Criteria Version 2. Collection method: clinical testing. Allele origin: germline. Affected: yes. Observed: 2 variant alleles.
Comment: IGSF10: BP4, BP7, BS1, BS2

Breakthrough Genomics
Classification: Benign. Review status: criteria provided, single submitter. Criteria: ACMG Guidelines, 2015. Collection method: not provided. Allele origin: germline. Inheritance: Unknown mechanism. Affected: yes.

PreventionGenetics, part of Exact Sciences
Classification: Likely benign for IGSF10-related condition. Last evaluated: 2019-02-20. Review status: no assertion criteria provided. Collection method: clinical testing. Allele origin: germline. Not counted in ClinVar's aggregate classification.
Comment: This variant is classified as likely benign based on ACMG/AMP sequence variant interpretation guidelines (Richards et al. 2015 PMID: 25741868, with internal and published modifications).

NM_178822.5(IGSF10):c.7254C>T (p.Gly2418=)

Gene: IGSF10 (immunoglobulin superfamily member 10; minus strand). Cytogenetic location: 3q25.1.
Variant type: single nucleotide variant.
Coding change: c.7254C>T on transcript NM_178822.5 (MANE Select); coding-DNA position 7254, C replaced by T.
Protein change: p.Gly2418=; no amino-acid change (glycine 2418 retained).
Molecular consequence: synonymous variant.
Genome position (GRCh38, 1-based): chr3:151,437,307, G>A on the plus strand (C>T on the coding strand, the complement: IGSF10 is on the minus strand). VCF-style: chr3-151437307-G-A. GRCh37 (hg19) VCF-style: chr3-151155095-G-A.
Other names: c.1191C>T, p.Gly397= (NM_001178145.3, NM_001178146.3); c.7254C>T, p.Gly2418= (NM_001385060.1, NM_001385061.1, NM_001385062.1 and 1 more transcripts).
Identifiers: ClinVar variation 787613 (VCV000787613.35), dbSNP rs111254790, ClinGen allele CA2669329.